The following is an entry in ClinVar:

ClinVar aggregate classification (germline): Uncertain significance. Review status: criteria provided, single submitter (1 of 4 stars). 2 submissions from 2 submitters: Uncertain significance (1). 1 of the submissions does not count toward it. Last evaluated 2021-08-26.

Conditions:
Ehlers-Danlos syndrome, dermatosparaxis type. Also called: Ehlers-Danlos syndrome, type VII, autosomal recessive; EDS VIIC; Dermatosparaxis. Identifiers: Orphanet 1901, MedGen C2700425, MONDO:0009161, OMIM 225410.

Allele frequency attached by ClinVar (database versions not stated): gnomAD 0.00001; gnomAD exomes 0.00001.
gnomAD v4.1: 19 of 1,614,120 alleles (0.0012%); highest among the groups gnomAD compares: Middle Eastern, 0.017%; no homozygotes.

Submissions (2):

Labcorp Genetics (formerly Invitae), Labcorp
Classification: Uncertain significance for Ehlers-Danlos syndrome, dermatosparaxis type. Last evaluated: 2021-08-26. Review status: criteria provided, single submitter. Criteria: Invitae Variant Classification Sherloc (09022015). Collection method: clinical testing. Allele origin: germline.
Comment: This sequence change replaces arginine with tryptophan at codon 731 of the ADAMTS2 protein (p.Arg731Trp). The arginine residue is highly conserved and there is a moderate physicochemical difference between arginine and tryptophan. This variant is not present in population databases (ExAC no frequency). This variant has not been reported in the literature in individuals affected with ADAMTS2-related conditions. Algorithms developed to predict the effect of missense changes on protein structure and function (SIFT, PolyPhen-2, Align-GVGD) all suggest that this variant is likely to be disruptive. In summary, the available evidence is currently insufficient to determine the role of this variant in disease. Therefore, it has been classified as a Variant of Uncertain Significance.

Natera, Inc.
Classification: Uncertain significance for Ehlers-Danlos syndrome type VIIC. Last evaluated: 2020-09-16. Review status: no assertion criteria provided. Collection method: clinical testing. Allele origin: germline. Not counted in ClinVar's aggregate classification.

NM_014244.5(ADAMTS2):c.2191C>T (p.Arg731Trp)

Gene: ADAMTS2 (ADAM metallopeptidase with thrombospondin type 1 motif 2; minus strand). Cytogenetic location: 5q35.3.
Variant type: single nucleotide variant.
Coding change: c.2191C>T on transcript NM_014244.5 (MANE Select); coding-DNA position 2191, C replaced by T.
Protein change: p.Arg731Trp; replaces arginine 731 with tryptophan.
Molecular consequence: missense variant.
Genome position (GRCh38, 1-based): chr5:179,132,795, G>A on the plus strand (C>T on the coding strand, the complement: ADAMTS2 is on the minus strand). VCF-style: chr5-179132795-G-A. GRCh37 (hg19) VCF-style: chr5-178559796-G-A.
Other names: short protein forms R731W.
Identifiers: ClinVar variation 845741 (VCV000845741.5), dbSNP rs997669873, ClinGen allele CA133034741.